The following is an entry in ClinVar:

NM_001242.5(CD27):c.386C>G (p.Thr129Ser)

Genes: CD27 (CD27 molecule; plus strand), CD27-AS1 (CD27 antisense RNA 1; minus strand). Cytogenetic location: 12p13.31.
Variant type: single nucleotide variant.
Coding change: c.386C>G on transcript NM_001242.5 (MANE Select); coding-DNA position 386, C replaced by G.
Protein change: p.Thr129Ser; replaces threonine 129 with serine.
Molecular consequence: missense variant.
Genome position (GRCh38, 1-based): chr12:6,450,290, C>G. VCF-style: chr12-6450290-C-G. GRCh37 (hg19) VCF-style: chr12-6559456-C-G.
Other names: short protein forms T129S.
Identifiers: ClinVar variation 1468018 (VCV001468018.5), dbSNP rs1378651116, ClinGen allele CA383549948.
Genomic context (GRCh38, chr12:6,450,290, plus strand): 5'-GCTGGCAGTGCAGGGACAAGGAGTGCACCGAGTGTGATCCTCTTCCAAACCCTTCGCTGA[C>G]CGCTCGGTCGTCTCAGGCCCTGAGCCCACACCCTCAGCCCACCCACTTACCTTATGTCAG-3'
Protein context (NP_001233.2, residues 119-139): ECDPLPNPSL[Thr129Ser]ARSSQALSPH

ClinVar aggregate classification (germline): Uncertain significance (1 of 4 stars; one submission).

Conditions:
Lymphoproliferative syndrome 2 (LPFS2). Also called: CD27 DEFICIENCY; Combined immunodeficiency due to CD27 deficiency. Identifiers: Orphanet 238505, MedGen C3554540, MONDO:0014054, OMIM 615122.

gnomAD v4.1: 1 of 1,613,812 alleles (0.000062%); no homozygotes.

Submission:

Labcorp Genetics (formerly Invitae), Labcorp
Classification: Uncertain significance for Lymphoproliferative syndrome 2. Last evaluated: 2022-07-19. Review status: criteria provided, single submitter. Criteria: Invitae Variant Classification Sherloc (09022015). Collection method: clinical testing. Allele origin: germline.
Comment: This sequence change replaces threonine, which is neutral and polar, with serine, which is neutral and polar, at codon 129 of the CD27 protein (p.Thr129Ser). This variant is not present in population databases (gnomAD no frequency). This variant has not been reported in the literature in individuals affected with CD27-related conditions. ClinVar contains an entry for this variant (Variation ID: 1468018). Algorithms developed to predict the effect of missense changes on protein structure and function output the following: SIFT: "Tolerated"; PolyPhen-2: "Benign"; Align-GVGD: "Class C0". The serine amino acid residue is found in multiple mammalian species, which suggests that this missense change does not adversely affect protein function. In summary, the available evidence is currently insufficient to determine the role of this variant in disease. Therefore, it has been classified as a Variant of Uncertain Significance.